The following is an entry in ClinVar:

NM_015512.5(DNAH1):c.9752A>G (p.Asn3251Ser)

Gene: DNAH1 (dynein axonemal heavy chain 1; plus strand). Cytogenetic location: 3p21.1.
Variant type: single nucleotide variant.
Coding change: c.9752A>G on transcript NM_015512.5 (MANE Select); coding-DNA position 9752, A replaced by G.
Protein change: p.Asn3251Ser; replaces asparagine 3251 with serine.
Molecular consequence: missense variant.
Genome position (GRCh38, 1-based): chr3:52,391,189, A>G. VCF-style: chr3-52391189-A-G. GRCh37 (hg19) VCF-style: chr3-52425205-A-G.
Other names: c.9752A>G (NM_015512.4); short protein forms N3251S.
Identifiers: ClinVar variation 2192633 (VCV002192633.5), dbSNP rs200747486, ClinGen allele CA2435611.

ClinVar aggregate classification (germline): Conflicting classifications of pathogenicity. Review status: criteria provided, conflicting classifications (1 of 4 stars). 2 submissions from 2 submitters: Uncertain significance (1); Likely benign (1). Last evaluated 2025-05-06.

Conditions:
Spermatogenic failure 18. Identifiers: MedGen C4539783, MONDO:0054615, OMIM 617576.
Ciliary dyskinesia, primary, 37 (CILD37). Also called: CILIARY DYSKINESIA, PRIMARY, 37, WITH OR WITHOUT SITUS INVERSUS. Identifiers: MedGen C4539798, MONDO:0033204, OMIM 617577.

Allele frequency attached by ClinVar (database versions not stated): 1000 Genomes Project 0.00020; ExAC 0.00002; gnomAD exomes 0.00001; gnomAD 0.00005; 1000 Genomes Project 30x 0.00016.
gnomAD v4.1: 29 of 1,613,898 alleles (0.0018%); highest among the groups gnomAD compares: East Asian, 0.02%; no homozygotes.

Submissions (2):

Labcorp Genetics (formerly Invitae), Labcorp
Classification: Uncertain significance for Ciliary dyskinesia, primary, 37; Spermatogenic failure 18. Last evaluated: 2025-05-06. Review status: criteria provided, single submitter. Criteria: Invitae Variant Classification Sherloc (09022015). Collection method: clinical testing. Allele origin: germline.
Comment: This sequence change replaces asparagine, which is neutral and polar, with serine, which is neutral and polar, at codon 3251 of the DNAH1 protein (p.Asn3251Ser). This variant is present in population databases (rs200747486, gnomAD 0.008%). This variant has not been reported in the literature in individuals affected with DNAH1-related conditions. ClinVar contains an entry for this variant (Variation ID: 2192633). Invitae Evidence Modeling of protein sequence and biophysical properties (such as structural, functional, and spatial information, amino acid conservation, physicochemical variation, residue mobility, and thermodynamic stability) indicates that this missense variant is not expected to disrupt DNAH1 protein function with a negative predictive value of 80%. In summary, the available evidence is currently insufficient to determine the role of this variant in disease. Therefore, it has been classified as a Variant of Uncertain Significance.

Ambry Genetics
Classification: Likely benign. Last evaluated: 2021-09-16. Review status: criteria provided, single submitter. Criteria: Ambry Variant Classification Scheme 2023. Collection method: clinical testing. Allele origin: germline.